The following is an entry in ClinVar:

ClinVar aggregate classification (germline): Pathogenic (1 of 4 stars; one submission).

Conditions:
STAT3 gain of function. Identifiers: MedGen C4288261.
Hyper-IgE recurrent infection syndrome 1, autosomal dominant. Also called: JOB SYNDROME; STAT3 Hyper IgE Syndrome; Job's Syndrome; Hyper-IgE recurrent infection syndrome 1; HYPER-IgE SYNDROME 1, AUTOSOMAL DOMINANT, WITH RECURRENT INFECTIONS. Identifiers: Orphanet 2314, MedGen C2936739, MONDO:0007818, OMIM 147060.

Submission:

Labcorp Genetics (formerly Invitae), Labcorp
Classification: Pathogenic for STAT3 gain of function; Hyper-IgE recurrent infection syndrome 1, autosomal dominant. Last evaluated: 2021-02-26. Review status: criteria provided, single submitter. Criteria: Invitae Variant Classification Sherloc (09022015). Collection method: clinical testing. Allele origin: germline.
Comment: For these reasons, this variant has been classified as Pathogenic. This sequence change replaces histidine with tyrosine at codon 410 of the STAT3 protein (p.His410Tyr). The histidine residue is moderately conserved and there is a moderate physicochemical difference between histidine and tyrosine. This variant is not present in population databases (ExAC no frequency). This variant has been observed in individual(s) with individual(s) with hyper-IgE syndrome (Invitae). In at least one individual the variant was observed to be de novo. Advanced modeling of protein sequence and biophysical properties (such as structural, functional, and spatial information, amino acid conservation, physicochemical variation, residue mobility, and thermodynamic stability) performed at Invitae indicates that this missense variant is expected to disrupt STAT3 protein function.

NM_139276.3(STAT3):c.1228C>T (p.His410Tyr)

Gene: STAT3 (signal transducer and activator of transcription 3; minus strand). Cytogenetic location: 17q21.2.
Variant type: single nucleotide variant.
Coding change: c.1228C>T on transcript NM_139276.3 (MANE Select); coding-DNA position 1228, C replaced by T.
Protein change: p.His410Tyr; replaces histidine 410 with tyrosine.
Molecular consequence: missense variant.
Genome position (GRCh38, 1-based): chr17:42,329,559, G>A on the plus strand (C>T on the coding strand, the complement: STAT3 is on the minus strand). VCF-style: chr17-42329559-G-A. GRCh37 (hg19) VCF-style: chr17-40481577-G-A.
Other names: c.1228C>T, p.His410Tyr (NM_001369512.1, NM_001369513.1, NM_001369514.1 and 12 more transcripts); c.1150C>T, p.His384Tyr (NM_001384985.1); c.1243C>T, p.His415Tyr (NM_001384986.1, NM_001384990.1); c.1132C>T, p.His378Tyr (NM_001384989.1); c.1168C>T, p.His390Tyr (NM_001384992.1); short protein forms H384Y, H390Y, H378Y, H415Y, H410Y.
Identifiers: ClinVar variation 1039785 (VCV001039785.9), dbSNP rs2081903545, ClinGen allele CA399588590.
Genomic context (GRCh38, chr17:42,329,559, plus strand): 5'-CTAGCCCTCTCCGGCAGCCAGAGGCCCTTTGTGAAGGGGAGCTCCTCCCACATACCAAGT[G>A]TTTGAATTCTGCAGAGAGGCTGCCGTTGTTGGATTCTTCCATGTTCATCACTTTTGTGTT-3'
Protein context (NP_644805.1, residues 400-420): NNGSLSAEFK[His410Tyr]LTLREQRCGN